The following is an entry in ClinVar:

NM_000038.6(APC):c.680A>T (p.Asp227Val)

Gene: APC (APC regulator of Wnt signaling pathway; plus strand). Cytogenetic location: 5q22.2.
Variant type: single nucleotide variant.
Coding change: c.680A>T on transcript NM_000038.6 (MANE Select); coding-DNA position 680, A replaced by T.
Protein change: p.Asp227Val; replaces aspartic acid 227 with valine.
Molecular consequence: missense variant. On other transcripts: 5 prime UTR variant (4), non-coding transcript variant (2), intron variant (5).
Genome position (GRCh38, 1-based): chr5:112,792,480, A>T. VCF-style: chr5-112792480-A-T. GRCh37 (hg19) VCF-style: chr5-112128177-A-T.
Other names: c.680A>T (NM_000038.5); c.680A>T, p.Asp227Val (NM_001127510.3, NM_001354895.2, NM_001354896.2 and 12 more transcripts); c.710A>T, p.Asp237Val (NM_001354897.2, NM_001354902.2, NM_001407446.1); c.605A>T, p.Asp202Val (NM_001354898.2, NM_001354904.2, NM_001407451.1); c.503A>T, p.Asp168Val (NM_001354900.2, NM_001354901.2, NM_001354905.2 and 1 more transcripts); c.-356A>T (NM_001354906.2, NM_001407470.1, NM_001407471.1 and 1 more transcripts); c.646-8799A>T (NM_001407452.1, NM_001407469.1, NM_001354899.2 and 1 more transcripts); c.676-8799A>T (NM_001127511.3); short protein forms D168V, D227V, D237V, D202V.
Identifiers: ClinVar variation 2754778 (VCV002754778.4), dbSNP rs975710261, ClinGen allele CA16022826.
Genomic context (GRCh38, chr5:112,792,480, plus strand): 5'-TAATTAGGTTTCTTGTTTTATTTTAGCGAAGAATAGCCAGAATTCAGCAAATCGAAAAGG[A>T]CATACTTCGTATACGACAGCTTTTACAGTCCCAAGCAACAGAAGCAGAGGTTAGTAAATT-3'
Protein context (NP_000029.2, residues 217-237): RIARIQQIEK[Asp227Val]ILRIRQLLQS

ClinVar aggregate classification (germline): Uncertain significance. Review status: criteria provided, multiple submitters, no conflicts (2 of 4 stars). 2 submissions from 2 submitters: Uncertain significance (2). Last evaluated 2026-04-24.

Conditions:
Hereditary cancer-predisposing syndrome. Also called: Tumor predisposition; Hereditary neoplastic syndrome; Neoplastic Syndromes, Hereditary; Hereditary Cancer Syndrome. Identifiers: Orphanet 140162, MedGen C0027672, MeSH D009386, MONDO:0015356.
Familial adenomatous polyposis 1 (FAP1). Also called: FAMILIAL ADENOMATOUS POLYPOSIS 1, ATTENUATED; POLYPOSIS, ADENOMATOUS INTESTINAL. Identifiers: MedGen C2713442, MONDO:0021056, OMIM 175100. Disease mechanism: loss of function.

Submissions (2):

Ambry Genetics
Classification: Uncertain significance for Hereditary cancer-predisposing syndrome. Last evaluated: 2026-04-24. Review status: criteria provided, single submitter. Criteria: Ambry Variant Classification Scheme 2023. Collection method: clinical testing. Allele origin: germline.
Comment: The p.D227V variant (also known as c.680A>T), located in coding exon 6 of the APC gene, results from an A to T substitution at nucleotide position 680. The aspartic acid at codon 227 is replaced by valine, an amino acid with highly dissimilar properties. This amino acid position is highly conserved in available vertebrate species. In addition, in silico predictors for this gene do not accurately predict pathogenicity. Missense variants in APC are not a common cause of disease (Spier I et al. Genet Med. 2024 Feb;26(2):100992). Based on the available evidence, the clinical significance of this variant remains unclear.

Labcorp Genetics (formerly Invitae), Labcorp
Classification: Uncertain significance for Familial adenomatous polyposis 1. Last evaluated: 2023-08-24. Review status: criteria provided, single submitter. Criteria: Invitae Variant Classification Sherloc (09022015). Collection method: clinical testing. Allele origin: germline.
Comment: In summary, the available evidence is currently insufficient to determine the role of this variant in disease. Therefore, it has been classified as a Variant of Uncertain Significance. Advanced modeling of protein sequence and biophysical properties (such as structural, functional, and spatial information, amino acid conservation, physicochemical variation, residue mobility, and thermodynamic stability) has been performed at Invitae for this missense variant, however the output from this modeling did not meet the statistical confidence thresholds required to predict the impact of this variant on APC protein function. This variant has not been reported in the literature in individuals affected with APC-related conditions. This variant is not present in population databases (gnomAD no frequency). This sequence change replaces aspartic acid, which is acidic and polar, with valine, which is neutral and non-polar, at codon 227 of the APC protein (p.Asp227Val).